The following is an entry in ClinVar:

NM_003900.5(SQSTM1):c.1088G>A (p.Gly363Glu)

Gene: SQSTM1 (sequestosome 1; plus strand). Cytogenetic location: 5q35.3.
Variant type: single nucleotide variant.
Coding change: c.1088G>A on transcript NM_003900.5 (MANE Select); coding-DNA position 1088, G replaced by A.
Protein change: p.Gly363Glu; replaces glycine 363 with glutamic acid.
Molecular consequence: missense variant.
Genome position (GRCh38, 1-based): chr5:179,833,705, G>A. VCF-style: chr5-179833705-G-A. GRCh37 (hg19) VCF-style: chr5-179260705-G-A.
Other names: p.Gly363Glu; c.836G>A, p.Gly279Glu (NM_001142298.2, NM_001142299.2); short protein forms G279E, G363E.
Identifiers: ClinVar variation 475394 (VCV000475394.17), dbSNP rs375495050, ClinGen allele CA3600795.

ClinVar aggregate classification (germline): Conflicting classifications of pathogenicity. Review status: criteria provided, conflicting classifications (1 of 4 stars). 5 submissions from 5 submitters: Uncertain significance (1); Likely benign (3). 1 of the submissions does not count toward it. Last evaluated 2026-09-01.

Conditions:
Paget disease of bone 2, early-onset (PDB2). Also called: Paget disease of bone 2. Identifiers: MedGen C4085251, MONDO:0011183, OMIM 602080.
Frontotemporal dementia and/or amyotrophic lateral sclerosis 1 (FTDALS1). Also called: Frontotemporal dementia with motor neuron disease 1; C9orf72 Frontotemporal Dementia and/or Amyotrophic Lateral Sclerosis. Identifiers: Orphanet 275872, MedGen C5779877, MONDO:0007105, OMIM 105550.
SQSTM1-related disorder. Also called: SQSTM1-Related Disorders.

Allele frequency attached by ClinVar (database versions not stated): gnomAD 0.00005 and 0.00006; gnomAD exomes 0.00007 and 0.00034; ESP Exome Variant Server 0.00008; TOPMed 0.00017; ExAC 0.00021.

Submissions (5):

CeGaT Center for Human Genetics Tuebingen
Classification: Likely benign. Last evaluated: 2026-09-01. Review status: criteria provided, single submitter. Criteria: CeGaT Center For Human Genetics Tuebingen Variant Classification Criteria Version 2. Collection method: clinical testing. Allele origin: germline. Affected: yes. Observed: 1 variant allele.
Comment: SQSTM1: BP4

Labcorp Genetics (formerly Invitae), Labcorp
Classification: Likely benign for Paget disease of bone 2, early-onset; Frontotemporal dementia and/or amyotrophic lateral sclerosis 1. Last evaluated: 2025-12-18. Review status: criteria provided, single submitter. Criteria: Invitae Variant Classification Sherloc (09022015). Collection method: clinical testing. Allele origin: germline.

Mayo Clinic Laboratories, Mayo Clinic
Classification: Uncertain significance. Last evaluated: 2025-12-05. Review status: criteria provided, single submitter. Criteria: ACMG Guidelines, 2015. Collection method: clinical testing. Allele origin: germline. Observed: 1 variant allele.

Breakthrough Genomics
Classification: Likely benign. Review status: criteria provided, single submitter. Criteria: ACMG Guidelines, 2015. Collection method: not provided. Allele origin: germline. Inheritance: Autosomal recessive inheritance. Affected: yes.

PreventionGenetics, part of Exact Sciences
Classification: Likely benign for SQSTM1-related condition. Last evaluated: 2022-05-27. Review status: no assertion criteria provided. Collection method: clinical testing. Allele origin: germline. Not counted in ClinVar's aggregate classification.
Comment: This variant is classified as likely benign based on ACMG/AMP sequence variant interpretation guidelines (Richards et al. 2015 PMID: 25741868, with internal and published modifications).